The following is an entry in ClinVar:

NM_021939.4(FKBP10):c.1294del (p.Ala432fs)

Gene: FKBP10 (FKBP prolyl isomerase 10; plus strand). Cytogenetic location: 17q21.2.
Variant type: Deletion.
Coding change: c.1294del on transcript NM_021939.4 (MANE Select); coding-DNA position 1294, one base deleted (G; older notation c.1294delG).
Protein change: p.Ala432fs; shifts the reading frame from alanine 432.
Molecular consequence: frameshift variant.
Genome position (GRCh38, 1-based): chr17:41,820,984, G deleted; the last of 4 consecutive G bases (chr17:41,820,981-41,820,984); deleting any one gives the same sequence. VCF-style (leftmost placement, unchanged base first): chr17-41820980-CG-C. GRCh37 (hg19) VCF-style: chr17-39977232-CG-C.
Other names: short protein forms A432fs.
Identifiers: ClinVar variation 2835222 (VCV002835222.3), dbSNP rs1476831557, ClinGen allele CA399518369.

ClinVar aggregate classification (germline): Pathogenic (1 of 4 stars; one submission).

Submission:

Labcorp Genetics (formerly Invitae), Labcorp
Classification: Pathogenic. Last evaluated: 2023-02-07. Review status: criteria provided, single submitter. Criteria: Invitae Variant Classification Sherloc (09022015). Collection method: clinical testing. Allele origin: germline.
Comment: For these reasons, this variant has been classified as Pathogenic. This variant has not been reported in the literature in individuals affected with FKBP10-related conditions. This variant is not present in population databases (gnomAD no frequency). This sequence change creates a premature translational stop signal (p.Ala432Profs*4) in the FKBP10 gene. It is expected to result in an absent or disrupted protein product. Loss-of-function variants in FKBP10 are known to be pathogenic (PMID: 22689593, 22949511).

Literature cited by the submitters: PubMed 22689593; PubMed 22949511.